The following is an entry in ClinVar:

ClinVar aggregate classification (germline): Likely benign. Review status: criteria provided, single submitter (1 of 4 stars). 2 submissions from 2 submitters: Likely benign (1). 1 of the submissions does not count toward it. Last evaluated 2024-09-13.

Conditions:
SETD1B-related disorder. Also called: SETD1B-related condition.

gnomAD v4.1: 106 of 1,559,086 alleles (0.0068%); highest among the groups gnomAD compares: Non-Finnish European, 0.0086%; no homozygotes.

Submissions (2):

Blueprint Genetics
Classification: Likely benign. Last evaluated: 2024-09-13. Review status: criteria provided, single submitter. Criteria: ACMG Guidelines, 2015. Collection method: clinical testing. Allele origin: germline.

PreventionGenetics, part of Exact Sciences
Classification: Likely benign for SETD1B-related condition. Last evaluated: 2019-03-21. Review status: no assertion criteria provided. Collection method: clinical testing. Allele origin: germline. Not counted in ClinVar's aggregate classification.
Comment: This variant is classified as likely benign based on ACMG/AMP sequence variant interpretation guidelines (Richards et al. 2015 PMID: 25741868, with internal and published modifications).

NM_001353345.2(SETD1B):c.5541C>T (p.Ile1847=)

Gene: SETD1B (SET domain containing 1B, histone lysine methyltransferase; plus strand). Cytogenetic location: 12q24.31.
Variant type: single nucleotide variant.
Coding change: c.5541C>T on transcript NM_001353345.2 (MANE Select); coding-DNA position 5541, C replaced by T.
Protein change: p.Ile1847=; no amino-acid change (isoleucine 1847 retained).
Molecular consequence: synonymous variant.
Genome position (GRCh38, 1-based): chr12:121,827,806, C>T. VCF-style: chr12-121827806-C-T. GRCh37 (hg19) VCF-style: chr12-122265712-C-T.
Other names: NM_015048.1:c.5412C>T.
Identifiers: ClinVar variation 3353051 (VCV003353051.2).